The following is an entry in ClinVar:

ClinVar aggregate classification (germline): Likely pathogenic (1 of 4 stars; one submission).

Submission:

GeneDx
Classification: Likely pathogenic. Last evaluated: 2017-05-03. Review status: criteria provided, single submitter. Criteria: GeneDx Variant Classification (06012015). Collection method: clinical testing. Allele origin: germline. Affected: yes.
Comment: The G1418E variant in the NIPBL gene has not been reported previously as a pathogenic variant, nor as a benign variant, to our knowledge. The G1418E variant is not observed in large population cohorts (Lek et al., 2016; 1000 Genomes Consortium et al., 2015; Exome Variant Server). The G1418E variant is a non-conservative amino acid substitution, which is likely to impact secondary protein structure as these residues differ in polarity, charge, size and/or other properties. This substitution occurs at a position that is conserved across species. In silico analysis predicts this variant is probably damaging to the protein structure/function. We interpret G1418E as a likely pathogenic variant.

NM_133433.4(NIPBL):c.4253G>A (p.Gly1418Glu)

Gene: NIPBL (NIPBL cohesin loading factor; plus strand). Cytogenetic location: 5p13.2.
Variant type: single nucleotide variant.
Coding change: c.4253G>A on transcript NM_133433.4 (MANE Select); coding-DNA position 4253, G replaced by A.
Protein change: p.Gly1418Glu; replaces glycine 1418 with glutamic acid.
Molecular consequence: missense variant.
Genome position (GRCh38, 1-based): chr5:37,008,021, G>A. VCF-style: chr5-37008021-G-A. GRCh37 (hg19) VCF-style: chr5-37008123-G-A.
Other names: c.4253G>A, p.Gly1418Glu (NM_015384.5); short protein forms G1418E.
Identifiers: ClinVar variation 449944 (VCV000449944.2), dbSNP rs1554022000, ClinGen allele CA359526194.